The following is an entry in ClinVar:

ClinVar aggregate classification (germline): Benign/Likely benign. Review status: criteria provided, multiple submitters, no conflicts (2 of 4 stars). 4 submissions from 4 submitters: Benign (1); Likely benign (3). Last evaluated 2025-11-24.

Conditions:
BAP1-related tumor predisposition syndrome (TPDS1). Also called: BAP1 tumor predisposition syndrome; COMMON Syndrome; TUMOR PREDISPOSITION SYNDROME 1; Tumor susceptibility linked to germline BAP1 mutations. Identifiers: Orphanet 289539, MedGen C3280492, MONDO:0013692, OMIM 614327.
Hereditary cancer-predisposing syndrome. Also called: Neoplastic Syndromes, Hereditary; Tumor predisposition; Hereditary Cancer Syndrome; Hereditary neoplastic syndrome. Identifiers: Orphanet 140162, MedGen C0027672, MeSH D009386, MONDO:0015356.

Allele frequency attached by ClinVar (database versions not stated): gnomAD exomes below 0.00001; TOPMed 0.00001.

Submissions (4):

Labcorp Genetics (formerly Invitae), Labcorp
Classification: Likely benign for BAP1-related tumor predisposition syndrome. Last evaluated: 2025-11-24. Review status: criteria provided, single submitter. Criteria: Invitae Variant Classification Sherloc (09022015). Collection method: clinical testing. Allele origin: germline.

Quest Diagnostics Nichols Institute San Juan Capistrano
Classification: Likely benign. Last evaluated: 2025-09-11. Review status: criteria provided, single submitter. Criteria: Quest Diagnostics criteria. Collection method: clinical testing. Allele origin: unknown.

Myriad Genetics, Inc.
Classification: Benign for BAP1-related tumor predisposition syndrome. Last evaluated: 2024-07-17. Review status: criteria provided, single submitter. Criteria: Myriad Autosomal Dominant, Autosomal Recessive and X-Linked Classification Criteria (2023). Collection method: clinical testing. Allele origin: unknown.
Comment: This variant is considered benign. This variant is a silent/synonymous amino acid change and it is not expected to impact splicing.

Ambry Genetics
Classification: Likely benign for Hereditary cancer-predisposing syndrome. Last evaluated: 2021-07-15. Review status: criteria provided, single submitter. Criteria: Ambry Variant Classification Scheme 2023. Collection method: clinical testing. Allele origin: germline.

NM_004656.4(BAP1):c.2016T>C (p.Asp672=)

Gene: BAP1 (BRCA1 associated deubiquitinase 1; minus strand). Cytogenetic location: 3p21.1.
Variant type: single nucleotide variant.
Coding change: c.2016T>C on transcript NM_004656.4 (MANE Select); coding-DNA position 2016, T replaced by C.
Protein change: p.Asp672=; no amino-acid change (aspartic acid 672 retained).
Molecular consequence: synonymous variant.
Genome position (GRCh38, 1-based): chr3:52,402,642, A>G on the plus strand (T>C on the coding strand, the complement: BAP1 is on the minus strand). VCF-style: chr3-52402642-A-G. GRCh37 (hg19) VCF-style: chr3-52436658-A-G.
Identifiers: ClinVar variation 472689 (VCV000472689.15), dbSNP rs1553644629, ClinGen allele CA433885711.